The following is an entry in ClinVar:

NM_001754.5(RUNX1):c.223G>T (p.Asp75Tyr)

Gene: RUNX1 (RUNX family transcription factor 1; minus strand). Cytogenetic location: 21q22.12.
Variant type: single nucleotide variant.
Coding change: c.223G>T on transcript NM_001754.5 (MANE Select); coding-DNA position 223, G replaced by T.
Protein change: p.Asp75Tyr; replaces aspartic acid 75 with tyrosine.
Molecular consequence: missense variant.
Genome position (GRCh38, 1-based): chr21:34,886,971, C>A on the plus strand (G>T on the coding strand, the complement: RUNX1 is on the minus strand). VCF-style: chr21-34886971-C-A. GRCh37 (hg19) VCF-style: chr21-36259268-C-A.
Other names: NM_001754.5(RUNX1):c.223G>T; p.Asp75Tyr; c.142G>T, p.Asp48Tyr (NM_001001890.3, NM_001122607.2); short protein forms D48Y, D75Y.
Identifiers: ClinVar variation 937279 (VCV000937279.11), dbSNP rs2058001847, ClinGen allele CA410203862.

ClinVar aggregate classification (germline): Uncertain significance. Review status: reviewed by expert panel (3 of 4 stars). 3 submissions from 3 submitters: Uncertain significance (1). 2 of the submissions do not count toward it. Last evaluated 2024-09-25.

Conditions:
Hereditary thrombocytopenia and hematologic cancer predisposition syndrome. Identifiers: Orphanet 71290, MedGen CN281654, MONDO:0011071.
RUNX1-related disorder. Also called: RUNX1-related condition.
Hereditary thrombocytopenia and hematological cancer predisposition syndrome associated with RUNX1. Also called: PLATELET DISORDER, ASPIRIN-LIKE; Familial Platelet Disorder with Propensity to Acute Myelogenous Leukemia; Familial thrombocytopenia with propensity to acute myelogenous leukemia; RUNX1 Familial Platelet Disorder with Associated Myeloid Malignancies. Identifiers: Orphanet 71290, MedGen C1832388, MeSH C563324, MONDO:0100083, OMIM 601399.

Submissions (3):

ClinGen Myeloid Malignancy Variant Curation Expert Panel
Classification: Uncertain significance for Hereditary thrombocytopenia and hematologic cancer predisposition syndrome. Last evaluated: 2024-09-25. Review status: reviewed by expert panel. Criteria: ClinGen MyeloMalig ACMG Specifications v2. Collection method: curation. Allele origin: germline. Inheritance: Autosomal dominant inheritance.
Comment: NM_001754.5(RUNX1):c.223G>T (p.Asp75Tyr) is a missense variant which is completely absent from all population databases with at least 20x coverage for RUNX1 (PM2_Supporting). In summary, the clinical significance of this variant is uncertain. ACMG/AMP criteria applied, as specified by the Myeloid Malignancy Variant Curation Expert Panel for RUNX1: PM2_supporting.

Labcorp Genetics (formerly Invitae), Labcorp
Classification: Uncertain significance for Hereditary thrombocytopenia and hematological cancer predisposition syndrome associated with RUNX1. Last evaluated: 2024-09-12. Review status: criteria provided, single submitter. Criteria: Invitae Variant Classification Sherloc (09022015). Collection method: clinical testing. Allele origin: germline. Not counted in ClinVar's aggregate classification.
Comment: This sequence change replaces aspartic acid, which is acidic and polar, with tyrosine, which is neutral and polar, at codon 75 of the RUNX1 protein (p.Asp75Tyr). This variant is not present in population databases (gnomAD no frequency). This variant has not been reported in the literature in individuals affected with RUNX1-related conditions. ClinVar contains an entry for this variant (Variation ID: 937279). Invitae Evidence Modeling of protein sequence and biophysical properties (such as structural, functional, and spatial information, amino acid conservation, physicochemical variation, residue mobility, and thermodynamic stability) has been performed for this missense variant. However, the output from this modeling did not meet the statistical confidence thresholds required to predict the impact of this variant on RUNX1 protein function. In summary, the available evidence is currently insufficient to determine the role of this variant in disease. Therefore, it has been classified as a Variant of Uncertain Significance.

PreventionGenetics, part of Exact Sciences
Classification: Uncertain significance for RUNX1-related condition. Last evaluated: 2023-04-18. Review status: criteria provided, single submitter. Criteria: ACMG Guidelines, 2015. Collection method: clinical testing. Allele origin: germline. Not counted in ClinVar's aggregate classification.
Comment: The RUNX1 c.223G>T variant is predicted to result in the amino acid substitution p.Asp75Tyr. To our knowledge, this variant has not been reported in the literature or in a large population database, indicating this variant is rare. In ClinVar, this variant is also interpreted as uncertain. At this time, the clinical significance of this variant is uncertain due to the absence of conclusive functional and genetic evidence.